The following is an entry in ClinVar:

ClinVar aggregate classification (germline): Pathogenic (1 of 4 stars; one submission).

Conditions:
Periodontitis, aggressive. Identifiers: MedGen C0031106, MONDO:0980757.
Papillon-Lefèvre syndrome (PALS). Also called: KERATOSIS PALMOPLANTARIS WITH PERIODONTOPATHIA; Papillon-Lefevre Disease. Identifiers: Orphanet 678, MedGen C0030360, MONDO:0009490, OMIM 245000.
Haim-Munk syndrome (HMS). Also called: COCHIN JEWISH DISORDER; KERATOSIS PALMOPLANTARIS WITH PERIODONTOPATHIA AND ONYCHOGRYPOSIS. Identifiers: Orphanet 2342, MedGen C1855627, MONDO:0009491, OMIM 245010.

Submission:

Labcorp Genetics (formerly Invitae), Labcorp
Classification: Pathogenic for Haim-Munk syndrome; Periodontitis, aggressive; Papillon-Lefèvre syndrome. Last evaluated: 2024-01-31. Review status: criteria provided, single submitter. Criteria: Invitae Variant Classification Sherloc (09022015). Collection method: clinical testing. Allele origin: germline.
Comment: This sequence change creates a premature translational stop signal (p.Tyr67*) in the CTSC gene. It is expected to result in an absent or disrupted protein product. Loss-of-function variants in CTSC are known to be pathogenic (PMID: 10662808, 11106356, 11886537). This variant is not present in population databases (gnomAD no frequency). This variant has not been reported in the literature in individuals affected with CTSC-related conditions. For these reasons, this variant has been classified as Pathogenic.

Literature cited by the submitters: PubMed 10662808; PubMed 11106356; PubMed 11886537.

NM_001814.6(CTSC):c.201C>A (p.Tyr67Ter)

Gene: CTSC (cathepsin C; minus strand). Cytogenetic location: 11q14.2.
Variant type: single nucleotide variant.
Coding change: c.201C>A on transcript NM_001814.6 (MANE Select); coding-DNA position 201, C replaced by A.
Protein change: p.Tyr67Ter; replaces tyrosine 67 with a stop codon.
Molecular consequence: nonsense.
Genome position (GRCh38, 1-based): chr11:88,335,054, G>T on the plus strand (C>A on the coding strand, the complement: CTSC is on the minus strand). VCF-style: chr11-88335054-G-T. GRCh37 (hg19) VCF-style: chr11-88068222-G-T.
Other names: c.201C>A, p.Tyr67Ter (NM_001114173.3, NM_148170.5); short protein forms Y67*.
Identifiers: ClinVar variation 2921800 (VCV002921800.3), dbSNP rs2496620499, ClinGen allele CA382030054.
Genomic context (GRCh38, chr11:88,335,054, plus strand): 5'-AATGATGGTGAAATGGCCAGAATTGCCAAGGTCATCATATGCTGTATCCAGCTTCTGAAG[G>T]TACACCACTACTTTTTTTTCTTGTGGTCCTAAAGAAAAAAAAAAAAAGCACAATAAAGGA-3'